The following is an entry in ClinVar:

NM_017636.4(TRPM4):c.1613A>G (p.Tyr538Cys)

Gene: TRPM4 (transient receptor potential cation channel subfamily M member 4; plus strand). Cytogenetic location: 19q13.33.
Variant type: single nucleotide variant.
Coding change: c.1613A>G on transcript NM_017636.4 (MANE Select); coding-DNA position 1613, A replaced by G.
Protein change: p.Tyr538Cys; replaces tyrosine 538 with cysteine.
Molecular consequence: missense variant.
Genome position (GRCh38, 1-based): chr19:49,183,082, A>G. VCF-style: chr19-49183082-A-G. GRCh37 (hg19) VCF-style: chr19-49686339-A-G.
Other names: c.1613A>G, p.Tyr538Cys (NM_001195227.2); c.1268A>G, p.Tyr423Cys (NM_001321281.2); c.5A>G, p.Tyr2Cys (NM_001321282.2); c.1091A>G, p.Tyr364Cys (NM_001321283.2); c.551A>G, p.Tyr184Cys (NM_001321285.2); short protein forms Y184C, Y423C, Y364C, Y538C, Y2C.
Identifiers: ClinVar variation 1438270 (VCV001438270.8), dbSNP rs373880512, ClinGen allele CA9569267.
Genomic context (GRCh38, chr19:49,183,082, plus strand): 5'-GTGGTGGCCAGTGTTGGGGAGGGGCTGGTCCTCACCACCCCTCCTTTTGCTGGCAGATGT[A>G]TCTGCTCTCGGACAAGGCCACCTCGCCGCTCTCGCTGGATGCTGGCCTCGGGCAGGCCCC-3'
Protein context (NP_060106.2, residues 528-548): HPGQGFGESM[Tyr538Cys]LLSDKATSPL

ClinVar aggregate classification (germline): Uncertain significance (1 of 4 stars; one submission).

Conditions:
Progressive familial heart block type IB (PFHB1B). Identifiers: Orphanet 871, MedGen C1970298, MONDO:0011474, OMIM 604559.

Allele frequency attached by ClinVar (database versions not stated): gnomAD exomes below 0.00001 and 0.00001; ExAC 0.00001; gnomAD 0.00001; 1000 Genomes Project 30x 0.00016; 1000 Genomes Project 0.00020.
gnomAD v4.1: 5 of 1,612,186 alleles (0.00031%); highest among the groups gnomAD compares: Middle Eastern, 0.021%; no homozygotes.

Submission:

Labcorp Genetics (formerly Invitae), Labcorp
Classification: Uncertain significance for Progressive familial heart block type IB. Last evaluated: 2025-09-27. Review status: criteria provided, single submitter. Criteria: Invitae Variant Classification Sherloc (09022015). Collection method: clinical testing. Allele origin: germline.
Comment: This sequence change replaces tyrosine, which is neutral and polar, with cysteine, which is neutral and slightly polar, at codon 538 of the TRPM4 protein (p.Tyr538Cys). This variant is present in population databases (rs373880512, gnomAD 0.003%). This variant has not been reported in the literature in individuals affected with TRPM4-related conditions. ClinVar contains an entry for this variant (Variation ID: 1438270). An algorithm developed to predict the effect of missense changes on protein structure and function outputs the following: PolyPhen-2: "Benign". The cysteine amino acid residue is found in multiple mammalian species, which suggests that this missense change does not adversely affect protein function. In summary, the available evidence is currently insufficient to determine the role of this variant in disease. Therefore, it has been classified as a Variant of Uncertain Significance.